The following is an entry in ClinVar:

NM_032043.3(BRIP1):c.173G>C (p.Cys58Ser)

Gene: BRIP1 (BRCA1 interacting DNA helicase 1; minus strand). Cytogenetic location: 17q23.2.
Variant type: single nucleotide variant.
Coding change: c.173G>C on transcript NM_032043.3 (MANE Select); coding-DNA position 173, G replaced by C.
Protein change: p.Cys58Ser; replaces cysteine 58 with serine.
Molecular consequence: missense variant.
Genome position (GRCh38, 1-based): chr17:61,859,828, C>G on the plus strand (G>C on the coding strand, the complement: BRIP1 is on the minus strand). VCF-style: chr17-61859828-C-G. GRCh37 (hg19) VCF-style: chr17-59937189-C-G.
Other names: short protein forms C58S.
Identifiers: ClinVar variation 926559 (VCV000926559.13), dbSNP rs749920386, ClinGen allele CA400485714.

ClinVar aggregate classification (germline): Uncertain significance. Review status: criteria provided, multiple submitters, no conflicts (2 of 4 stars). 3 submissions from 3 submitters: Uncertain significance (3). Last evaluated 2026-06-09.

Conditions:
Hereditary cancer-predisposing syndrome. Also called: Hereditary Cancer Syndrome; Neoplastic Syndromes, Hereditary; Tumor predisposition; Hereditary neoplastic syndrome. Identifiers: Orphanet 140162, MedGen C0027672, MeSH D009386, MONDO:0015356.
Familial cancer of breast. Also called: BREAST CANCER, FAMILIAL; Hereditary breast cancer; hereditary breast carcinoma. Identifiers: Orphanet 227535, MedGen C0346153, MONDO:0016419, OMIM 114480. Disease mechanism: loss of function.
Fanconi anemia complementation group J. Also called: BRIP1-Related Fanconi Anemia. Identifiers: Orphanet 84, MedGen C1836860, MONDO:0012187, OMIM 609054.

gnomAD v4.1: 3 of 1,613,848 alleles (0.00019%); highest among the groups gnomAD compares: South Asian, 0.0033%; no homozygotes.

Submissions (3):

Ambry Genetics
Classification: Uncertain significance for Hereditary cancer-predisposing syndrome. Last evaluated: 2026-06-09. Review status: criteria provided, single submitter. Criteria: Ambry Variant Classification Scheme 2023. Collection method: clinical testing. Allele origin: germline.
Comment: The p.C58S variant (also known as c.173G>C), located in coding exon 2 of the BRIP1 gene, results from a G to C substitution at nucleotide position 173. The cysteine at codon 58 is replaced by serine, an amino acid with dissimilar properties. This amino acid position is conserved. In addition, this alteration is predicted to be deleterious by in silico analysis. Based on the available evidence, the clinical significance of this variant remains unclear.

Color Diagnostics, LLC DBA Color Health
Classification: Uncertain significance for Hereditary cancer-predisposing syndrome. Last evaluated: 2023-12-04. Review status: criteria provided, single submitter. Criteria: ACMG Guidelines, 2015. Collection method: clinical testing. Allele origin: germline.
Comment: This missense variant replaces cysteine with serine at codon 58 of the BRIP1 protein. Computational prediction is inconclusive regarding the impact of this variant on protein structure and function (internally defined REVEL score threshold 0.5 < inconclusive < 0.7, PMID: 27666373). To our knowledge, functional studies have not been reported for this variant. This variant has not been reported in individuals affected with BRIP1-related disorders in the literature. This variant has not been identified in the general population by the Genome Aggregation Database (gnomAD). The available evidence is insufficient to determine the role of this variant in disease conclusively. Therefore, this variant is classified as a Variant of Uncertain Significance.

Labcorp Genetics (formerly Invitae), Labcorp
Classification: Uncertain significance for Familial cancer of breast; Fanconi anemia complementation group J. Last evaluated: 2022-06-03. Review status: criteria provided, single submitter. Criteria: Invitae Variant Classification Sherloc (09022015). Collection method: clinical testing. Allele origin: germline.
Comment: This variant has not been reported in the literature in individuals affected with BRIP1-related conditions. In summary, the available evidence is currently insufficient to determine the role of this variant in disease. Therefore, it has been classified as a Variant of Uncertain Significance. Algorithms developed to predict the effect of missense changes on protein structure and function are either unavailable or do not agree on the potential impact of this missense change (SIFT: "Deleterious"; PolyPhen-2: "Probably Damaging"; Align-GVGD: "Class C0"). ClinVar contains an entry for this variant (Variation ID: 926559). This variant is not present in population databases (gnomAD no frequency). This sequence change replaces cysteine, which is neutral and slightly polar, with serine, which is neutral and polar, at codon 58 of the BRIP1 protein (p.Cys58Ser).